The following is an entry in ClinVar:

NM_001330311.2(DVL1):c.713G>T (p.Ser238Ile)

Gene: DVL1 (dishevelled segment polarity protein 1; minus strand). Cytogenetic location: 1p36.33.
Variant type: single nucleotide variant.
Coding change: c.713G>T on transcript NM_001330311.2 (MANE Select); coding-DNA position 713, G replaced by T.
Protein change: p.Ser238Ile; replaces serine 238 with isoleucine.
Molecular consequence: missense variant.
Genome position (GRCh38, 1-based): chr1:1,340,303, C>A on the plus strand (G>T on the coding strand, the complement: DVL1 is on the minus strand). VCF-style: chr1-1340303-C-A. GRCh37 (hg19) VCF-style: chr1-1275683-C-A.
Other names: c.713G>T, p.Ser238Ile (NM_004421.3); short protein forms S238I.
Identifiers: ClinVar variation 5020243 (VCV005020243.1).

ClinVar aggregate classification (germline): Uncertain significance (1 of 4 stars; one submission).

Submission:

Dasa
Classification: Uncertain significance. Last evaluated: 2026-07-04. Review status: criteria provided, single submitter. Criteria: DASA Assertion Criteria. Collection method: clinical testing. Allele origin: germline.
Comment: NM_001330311.2(DVL1):c.713G>T (p.Ser238Ile) is a missense variant that results in the substitution of serine with isoleucine. This variant is absent from population databases. The currently available literature and clinical evidence are not sufficient to establish a definitive association between this variant and the reported condition. Therefore, this variant is classified as a variant of uncertain significance.